The following is an entry in ClinVar:

NM_004793.4(LONP1):c.2703G>T (p.Ala901=)

Gene: LONP1 (lon peptidase 1, mitochondrial; minus strand). Cytogenetic location: 19p13.3.
Variant type: single nucleotide variant.
Coding change: c.2703G>T on transcript NM_004793.4 (MANE Select); coding-DNA position 2703, G replaced by T.
Protein change: p.Ala901=; no amino-acid change (alanine 901 retained).
Molecular consequence: synonymous variant. On other transcripts: non-coding transcript variant (1).
Genome position (GRCh38, 1-based): chr19:5,693,298, C>A on the plus strand (G>T on the coding strand, the complement: LONP1 is on the minus strand). VCF-style: chr19-5693298-C-A. GRCh37 (hg19) VCF-style: chr19-5693309-C-A.
Other names: c.2511G>T, p.Ala837= (NM_001276479.2); c.2115G>T, p.Ala705= (NM_001276480.1); c.2703G>T (NM_004793.3).
Identifiers: ClinVar variation 1601060 (VCV001601060.10), dbSNP rs527366898, ClinGen allele CA9114021.

ClinVar aggregate classification (germline): Benign. Review status: criteria provided, single submitter (1 of 4 stars). 2 submissions from 2 submitters: Benign (1). 1 of the submissions does not count toward it. Last evaluated 2025-09-05.

Conditions:
LONP1-related disorder. Also called: LONP1-related condition; LONP1-related disorders.

Allele frequency attached by ClinVar (database versions not stated): 1000 Genomes Project 0.00140; 1000 Genomes Project 30x 0.00141.
gnomAD v4.1: 542 of 1,609,432 alleles (0.034%); highest among the groups gnomAD compares: South Asian, 0.56%; 7 homozygotes.

Submissions (2):

Labcorp Genetics (formerly Invitae), Labcorp
Classification: Benign. Last evaluated: 2025-09-05. Review status: criteria provided, single submitter. Criteria: Invitae Variant Classification Sherloc (09022015). Collection method: clinical testing. Allele origin: germline.

PreventionGenetics, part of Exact Sciences
Classification: Likely benign for LONP1-related condition. Last evaluated: 2022-02-10. Review status: no assertion criteria provided. Collection method: clinical testing. Allele origin: germline. Not counted in ClinVar's aggregate classification.
Comment: This variant is classified as likely benign based on ACMG/AMP sequence variant interpretation guidelines (Richards et al. 2015 PMID: 25741868, with internal and published modifications).